The following is an entry in ClinVar:

ClinVar aggregate classification (germline): Conflicting classifications of pathogenicity. Review status: criteria provided, conflicting classifications (1 of 4 stars). 4 submissions from 4 submitters: Uncertain significance (2); Likely benign (1). 1 of the submissions does not count toward it. Last evaluated 2026-07-09.

Conditions:
Congenital anomaly of kidney and urinary tract. Also called: Congenital anomalies of kidney and urinary tract; Congenital anomalies of the kidney and urinary tract. Identifiers: Orphanet 93545, MedGen C1968949, MeSH C566906, MONDO:0019719.
NOTCH2-related disorder. Also called: NOTCH2-related condition.
Hajdu-Cheney syndrome (HJCYS). Also called: ACROOSTEOLYSIS WITH OSTEOPOROSIS AND CHANGES IN SKULL AND MANDIBLE; SERPENTINE FIBULA-POLYCYSTIC KIDNEY SYNDROME; Acroosteolysis dominant type. Identifiers: Orphanet 955, MedGen C0917715, MONDO:0007057, OMIM 102500.

Allele frequency attached by ClinVar (database versions not stated): gnomAD 0.00002; TOPMed below 0.00001; gnomAD exomes 0.00001; ExAC 0.00002.
gnomAD v4.1: 17 of 1,610,612 alleles (0.0011%); highest among the groups gnomAD compares: Middle Eastern, 0.017%; no homozygotes.

Submissions (4):

Medical Genetics, Marmara University School Of Medicine
Classification: Uncertain significance for Congenital anomalies of the kidney and urinary tract. Last evaluated: 2026-07-09. Review status: criteria provided, single submitter. Criteria: Variant Classification Assertion Criteria, v1. Collection method: research. Allele origin: unknown, maternal. Affected: no and yes. Observed: 3 variant alleles, 3 heterozygotes. Clinical features observed: Ureteropelvic junction obstruction, Craniofacial dysmorphism, Right kidney hypoplasia, Bilateral thumb brachydactyly. Segregation with disease not observed.
Comment: Heterozygous intronic variant NM_024408.4:c.4512-3T>G in NOTCH2, identified together with a ROBO2 missense variant (c.3115T>C) in two affected siblings, both inherited from their unaffected mother. Classified as uncertain significance per ACMG/AMP: PM2_Supporting (gnomAD v4.1 AF 0.00001055), BP4 (no splicing effect predicted; CADD 16.4, PhyloP -1.25). Considered an unlikely second hit: NOTCH2-related kidney involvement is non-defining (PMID:39446153), and transmission from an unaffected parent to affected children provides minimal segregation evidence. Individual-level observations are reported on the CaseData tab under this Linking ID.

Laboratory of Genetics, Children's Clinical University Hospital Latvia
Classification: Likely benign. Last evaluated: 2025-02-16. Review status: criteria provided, single submitter. Criteria: ACMG Guidelines, 2015. Collection method: clinical testing. Allele origin: germline. Affected: yes.

Labcorp Genetics (formerly Invitae), Labcorp
Classification: Uncertain significance for Hajdu-Cheney syndrome. Last evaluated: 2024-10-31. Review status: criteria provided, single submitter. Criteria: Invitae Variant Classification Sherloc (09022015). Collection method: clinical testing. Allele origin: germline.
Comment: This sequence change falls in intron 25 of the NOTCH2 gene. It does not directly change the encoded amino acid sequence of the NOTCH2 protein. It affects a nucleotide within the consensus splice site. This variant is present in population databases (rs754385929, gnomAD 0.01%). This variant has not been reported in the literature in individuals affected with NOTCH2-related conditions. ClinVar contains an entry for this variant (Variation ID: 2718075). Variants that disrupt the consensus splice site are a relatively common cause of aberrant splicing (PMID: 17576681, 9536098). Algorithms developed to predict the effect of sequence changes on RNA splicing suggest that this variant may disrupt the consensus splice site. In summary, the available evidence is currently insufficient to determine the role of this variant in disease. Therefore, it has been classified as a Variant of Uncertain Significance.

PreventionGenetics, part of Exact Sciences
Classification: Likely benign for NOTCH2-related condition. Last evaluated: 2023-10-13. Review status: no assertion criteria provided. Collection method: clinical testing. Allele origin: germline. Not counted in ClinVar's aggregate classification.
Comment: This variant is classified as likely benign based on ACMG/AMP sequence variant interpretation guidelines (Richards et al. 2015 PMID: 25741868, with internal and published modifications).

Literature cited by the submitters: PubMed 39446153 (cited by Medical Genetics, Marmara University School Of Medicine); PubMed 17576681 (cited by Labcorp Genetics (formerly Invitae), Labcorp); PubMed 9536098 (cited by Labcorp Genetics (formerly Invitae), Labcorp).

NM_024408.4(NOTCH2):c.4512-3T>G

Gene: NOTCH2 (notch receptor 2; minus strand). Cytogenetic location: 1p12.
Variant type: single nucleotide variant.
Coding change: c.4512-3T>G on transcript NM_024408.4 (MANE Select); 3 bases into the intron before coding-DNA position 4512, T replaced by G.
Molecular consequence: intron variant.
Genome position (GRCh38, 1-based): chr1:119,923,987, A>C on the plus strand (T>G on the coding strand, the complement: NOTCH2 is on the minus strand). VCF-style: chr1-119923987-A-C. GRCh37 (hg19) VCF-style: chr1-120466610-A-C.
Other names: c.4512-3T>G (NM_024408.3).
Identifiers: ClinVar variation 2718075 (VCV002718075.7), dbSNP rs754385929, ClinGen allele CA1039840.